The following is an entry in ClinVar:

NM_006231.4(POLE):c.1295T>A (p.Leu432Gln)

Gene: POLE (DNA polymerase epsilon, catalytic subunit; minus strand). Cytogenetic location: 12q24.33.
Variant type: single nucleotide variant.
Coding change: c.1295T>A on transcript NM_006231.4 (MANE Select); coding-DNA position 1295, T replaced by A.
Protein change: p.Leu432Gln; replaces leucine 432 with glutamine.
Molecular consequence: missense variant.
Genome position (GRCh38, 1-based): chr12:132,673,639, A>T on the plus strand (T>A on the coding strand, the complement: POLE is on the minus strand). VCF-style: chr12-132673639-A-T. GRCh37 (hg19) VCF-style: chr12-133250225-A-T.
Other names: short protein forms L432Q.
Identifiers: ClinVar variation 1769197 (VCV001769197.3), dbSNP rs2135999903, ClinGen allele CA387359432.
Genomic context (GRCh38, chr12:132,673,639, plus strand): 5'-GGCTGCTCCGTGGCCATCCGGCACATGTCCTCCGGGTCTAGCTCCACGGGATCATAGCCT[A>T]GCTTGGCCTTGGCGGCCGCCTTGAGATTATGACTGCCCACAGGAAGGTAACTGTCCCTCT-3'
Protein context (NP_006222.2, residues 422-442): HNLKAAAKAK[Leu432Gln]GYDPVELDPE

ClinVar aggregate classification (germline): Uncertain significance (1 of 4 stars; one submission).

Conditions:
Hereditary cancer-predisposing syndrome. Also called: Tumor predisposition; Hereditary Cancer Syndrome; Hereditary neoplastic syndrome; Neoplastic Syndromes, Hereditary. Identifiers: Orphanet 140162, MedGen C0027672, MeSH D009386, MONDO:0015356.

Submission:

Ambry Genetics
Classification: Uncertain significance for Hereditary cancer-predisposing syndrome. Last evaluated: 2026-01-07. Review status: criteria provided, single submitter. Criteria: Ambry Variant Classification Scheme 2023. Collection method: clinical testing. Allele origin: germline.
Comment: The p.L432Q variant (also known as c.1295T>A), located in coding exon 13 of the POLE gene, results from a T to A substitution at nucleotide position 1295. The leucine at codon 432 is replaced by glutamine, an amino acid with dissimilar properties. This amino acid position is highly conserved in available vertebrate species. In addition, this alteration is predicted to be deleterious by in silico analysis. Based on the available evidence, the clinical significance of this variant remains unclear.